The following is an entry in ClinVar:

ClinVar aggregate classification (germline): Conflicting classifications of pathogenicity. Review status: criteria provided, conflicting classifications (1 of 4 stars). 3 submissions from 3 submitters: Likely pathogenic (1); Uncertain significance (1); Likely benign (1). Last evaluated 2024-10-30.

Conditions:
Inborn genetic diseases. Identifiers: MedGen C0950123, MeSH D030342.
Congenital muscular hypertrophy-cerebral syndrome (CDLS2). Also called: SMC1A-Related Cornelia de Lange Syndrome; Cornelia de Lange syndrome 2. Identifiers: Orphanet 199, MedGen C1802395, MONDO:0010370, OMIM 300590.

Allele frequency attached by ClinVar (database versions not stated): gnomAD exomes below 0.00001.
gnomAD v4.1: 1 of 1,211,699 alleles (0.000083%); highest among the groups gnomAD compares: Non-Finnish European, 0.00011%; no homozygotes.

Submissions (3):

Ambry Genetics
Classification: Likely pathogenic for Inborn genetic diseases. Last evaluated: 2024-10-30. Review status: criteria provided, single submitter. Criteria: Ambry Variant Classification Scheme 2023. Collection method: clinical testing. Allele origin: germline.
Comment: The c.1994G>A (p.R665H) alteration is located in exon 12 (coding exon 12) of the SMC1A gene. This alteration results from a G to A substitution at nucleotide position 1994, causing the arginine (R) at amino acid position 665 to be replaced by a histidine (H). for SMC1A-related Cornelia de Lange syndrome; however, its clinical significance for SMC1A-related developmental and epileptic encephalopathy is uncertain. This variant was not reported in population-based cohorts in the Genome Aggregation Database (gnomAD). This variant was reported as hemizygous in an individual with features consistent with Cornelia de Lange syndrome, but clinical details were limited (French, 2019). This amino acid position is highly conserved in available vertebrate species. This missense alteration is located in a region that has a low rate of benign missense variation (Lek, 2016; Firth, 2009). This alteration is predicted to be deleterious by in silico analysis. Based on the available evidence, this alteration is classified as likely pathogenic.

Labcorp Genetics (formerly Invitae), Labcorp
Classification: Uncertain significance for Congenital muscular hypertrophy-cerebral syndrome. Last evaluated: 2024-06-13. Review status: criteria provided, single submitter. Criteria: Invitae Variant Classification Sherloc (09022015). Collection method: clinical testing. Allele origin: germline.
Comment: This sequence change replaces arginine, which is basic and polar, with histidine, which is basic and polar, at codon 665 of the SMC1A protein (p.Arg665His). This variant is not present in population databases (gnomAD no frequency). This variant has not been reported in the literature in individuals affected with SMC1A-related conditions. ClinVar contains an entry for this variant (Variation ID: 1806133). Advanced modeling of protein sequence and biophysical properties (such as structural, functional, and spatial information, amino acid conservation, physicochemical variation, residue mobility, and thermodynamic stability) performed at Invitae indicates that this missense variant is expected to disrupt SMC1A protein function with a positive predictive value of 80%. In summary, the available evidence is currently insufficient to determine the role of this variant in disease. Therefore, it has been classified as a Variant of Uncertain Significance.

Victorian Clinical Genetics Services, Murdoch Childrens Research Institute
Classification: Likely benign for Congenital muscular hypertrophy-cerebral syndrome. Last evaluated: 2021-05-06. Review status: criteria provided, single submitter. Criteria: ACMG Guidelines, 2015. Collection method: clinical testing. Allele origin: germline. Inheritance: X-linked dominant inheritance. Affected: yes.
Comment: Based on the classification scheme VCGS_Germline_v1.3.3, this variant is classified as Likely benign. Following criteria are met: 0102 - Loss of function is a known mechanism of disease in this gene and is associated with Cornelia de Lange syndrome 2 (MIM#300590) and epileptic encephalopathy, early infantile, 85, with or without midline brain defects. Dominant negative is also a suggested mechanism of disease (PMID: 17273969, 19701948). (I) 0110 - This gene is associated with X-linked dominant disease. This gene is known to escape X-inactivation (PMID: 30871455). (I) 0200 - Variant is predicted to result in a missense amino acid change from arginine to histidine. (I) 0253 - This variant is hemizygous. (I) 0301 - Variant is absent from gnomAD (both v2 and v3). (SP) 0501 - Missense variant consistently predicted to be damaging by multiple in silico tools or highly conserved with a major amino acid change. (SP) 0603 - Missense variant in a region that is highly intolerant to missense variation (high constraint region in DECIPHER). (SP) 0705 - No comparable missense variants have previous evidence for pathogenicity. (I) 0809 - Previous evidence of pathogenicity for this variant is inconclusive. This variant has been reported in a hemizygous patient with Cornelia de Lange syndrome, and described as a VUS (PMID: 30847515). (I) 0905 - No published segregation evidence has been identified for this variant. (I) 1007 - No published functional evidence has been identified for this variant. (I) Legend: (SP) - Supporting pathogenic, (I) - Information, (SB) - Supporting benign

Literature cited by the submitters: PubMed 30847515 (cited by Ambry Genetics and Victorian Clinical Genetics Services, Murdoch Childrens Research Institute); PubMed 17273969 (cited by Victorian Clinical Genetics Services, Murdoch Childrens Research Institute); PubMed 19701948 (cited by Victorian Clinical Genetics Services, Murdoch Childrens Research Institute); PubMed 30871455 (cited by Victorian Clinical Genetics Services, Murdoch Childrens Research Institute).

NM_006306.4(SMC1A):c.1994G>A (p.Arg665His)

Gene: SMC1A (structural maintenance of chromosomes 1A; minus strand). Cytogenetic location: Xp11.22.
Variant type: single nucleotide variant.
Coding change: c.1994G>A on transcript NM_006306.4 (MANE Select); coding-DNA position 1994, G replaced by A.
Protein change: p.Arg665His; replaces arginine 665 with histidine.
Molecular consequence: missense variant.
Genome position (GRCh38, 1-based): chrX:53,405,309, C>T on the plus strand (G>A on the coding strand, the complement: SMC1A is on the minus strand). VCF-style: chrX-53405309-C-T. GRCh37 (hg19) VCF-style: chrX-53432241-C-T.
Other names: c.1928G>A, p.Arg643His (NM_001281463.1); c.1994G>A (NM_006306.2); short protein forms R643H, R665H.
Identifiers: ClinVar variation 1806133 (VCV001806133.4), dbSNP rs2520927651, ClinGen allele CA413252344.
Genomic context (GRCh38, chrX:53,405,309, plus strand): 5'-AGCTCCTCTGTCAAGCGCTCCTTCTTCTCTTTCAACTTGTCTACTGCTTTCTCATCCCAG[C>T]GCCGTGCCTTGGCCTTCAGGTCACTGGCCCCACCAGAGATCACTCCTGACTTCTGGAATA-3'
Protein context (NP_006297.2, residues 655-675): GASDLKAKAR[Arg665His]WDEKAVDKLK